The following is an entry in ClinVar:

NM_004750.5(CRLF1):c.66GCT[3] (p.Leu26del)

Gene: CRLF1 (cytokine receptor like factor 1; minus strand). Cytogenetic location: 19p13.11.
Variant type: Microsatellite.
Coding change: c.66GCT[3] on transcript NM_004750.5 (MANE Select); three copies in a row of the 3-base unit GCT starting at c.66; the reference has four copies in a row; one copy, 3 bases deleted; also written c.75_77del.
Protein change: p.Leu26del; deletes leucine 26.
Molecular consequence: inframe deletion.
Genome position (GRCh38, 1-based): chr19:18,606,580-18,606,582, AGC deleted on the plus strand (GCT on the coding strand, the reverse complement: CRLF1 is on the minus strand); deleting any 3 consecutive bases within chr19:18,606,580-18,606,593 gives the same sequence; the position shown is the placement nearest the transcript's 3' end. VCF-style (leftmost placement, unchanged base first): chr19-18606579-GAGC-G. GRCh37 (hg19) VCF-style: chr19-18717389-GAGC-G.
Other names: L25delL; p.Leu26del; c.75_77delGCT (NM_004750.5); c.75_77del (NM_004750.4, NM_004750.5); short protein forms L26del.
Identifiers: ClinVar variation 224611 (VCV000224611.17), dbSNP rs34503316, ClinGen allele CA342067.
Genomic context (GRCh38, chr19:18,606,579, plus strand): 5'-GGAGTGGGGCGCCGGGTACTCACGGGCTCCTGATCCGGCTCGCGGCGCCCCGAGGACGCA[GAGC>G]AGCAGCAGCAGGGGCAGCAACGGCGGCGGCCGCCGCGCGGATTGGGCGGCGGGGCCCCGG-3'

ClinVar aggregate classification (germline): Benign. Review status: criteria provided, multiple submitters, no conflicts (2 of 4 stars). 5 submissions from 5 submitters: Benign (5). Last evaluated 2026-02-04.

Submissions (5):

Labcorp Genetics (formerly Invitae), Labcorp
Classification: Benign. Last evaluated: 2026-02-04. Review status: criteria provided, single submitter. Criteria: Invitae Variant Classification Sherloc (09022015). Collection method: clinical testing. Allele origin: germline.

Women's Health and Genetics/Laboratory Corporation of America, LabCorp
Classification: Benign. Last evaluated: 2024-08-19. Review status: criteria provided, single submitter. Criteria: LabCorp Variant Classification Summary - May 2015. Collection method: clinical testing. Allele origin: germline.
Comment: Variant summary: CRLF1 c.75_77delGCT (p.Leu26del) results in an in-frame deletion that is predicted to remove 1 amino acid from the encoded protein. The variant allele was found at a frequency of 0.21 in 1139378 control chromosomes, predominantly at a frequency of 0.5 within the Non-Finnish European subpopulation in the gnomAD database, including 2931 homozygotes. The observed variant frequency within Non-Finnish European control individuals in the gnomAD database is approximately 458.83 fold of the estimated maximal expected allele frequency for a pathogenic variant in CRLF1 causing Cold-Induced Sweating Syndrome phenotype (0.0011). To our knowledge, no occurrence of c.75_77delGCT in individuals affected with Cold-Induced Sweating Syndrome and no experimental evidence demonstrating its impact on protein function have been reported. ClinVar contains an entry for this variant (Variation ID: 224611). Based on the evidence outlined above, the variant was classified as benign.

GeneDx
Classification: Benign. Last evaluated: 2021-05-04. Review status: criteria provided, single submitter. Criteria: GeneDx Variant Classification Process June 2021. Collection method: clinical testing. Allele origin: germline. Affected: yes.

Mayo Clinic Laboratories, Mayo Clinic
Classification: Benign. Last evaluated: 2017-12-22. Review status: criteria provided, single submitter. Criteria: ACMG Guidelines, 2015. Collection method: clinical testing. Allele origin: germline. Observed: 518 variant alleles.

Eurofins Ntd Llc (ga)
Classification: Benign. Last evaluated: 2017-09-26. Review status: criteria provided, single submitter. Criteria: EGL Classification Definitions 2015. Collection method: clinical testing. Allele origin: germline. Observed: 1 variant allele, 1 heterozygote.